The following is an entry in ClinVar:

NM_001271.4(CHD2):c.3787dup (p.Val1263fs)

Gene: CHD2 (chromodomain helicase DNA binding protein 2; plus strand). Cytogenetic location: 15q26.1.
Variant type: Duplication.
Coding change: c.3787dup on transcript NM_001271.4 (MANE Select); coding-DNA position 3787, one base duplicated (G; older notation c.3787dupG).
Protein change: p.Val1263fs; shifts the reading frame from valine 1263.
Molecular consequence: frameshift variant.
Genome position (GRCh38, 1-based): chr15:92,997,305, G duplicated; the last of 6 consecutive G bases (chr15:92,997,300-92,997,305); duplicating any one gives the same sequence. VCF-style (leftmost placement, unchanged base first): chr15-92997299-T-TG. GRCh37 (hg19) VCF-style: chr15-93540529-T-TG.
Other names: short protein forms V1263fs.
Identifiers: ClinVar variation 224140 (VCV000224140.13), dbSNP rs869312877, ClinGen allele CA354195.
Genomic context (GRCh38, chr15:92,997,299, plus strand): 5'-TAAACTTTCTTTAGATACTGCTTAACCTGTCGTGTCAAAGCTGCACATTTTGATGTAGAG[T>TG]GGGGGGTGGAAGATGATTCTCGCCTGTTGCTGGGGATTTATGAACATGGCTATGGAAACT-3'

ClinVar aggregate classification (germline): Pathogenic/Likely pathogenic. Review status: criteria provided, multiple submitters, no conflicts (2 of 4 stars). 4 submissions from 4 submitters: Pathogenic (3); Likely pathogenic (1). Last evaluated 2025-11-27.

Conditions:
Inborn genetic diseases. Identifiers: MedGen C0950123, MeSH D030342.
CHD2-related disorder. Also called: CHD2-related condition.
Developmental and epileptic encephalopathy 94 (DEE94). Also called: Epileptic encephalopathy, childhood-onset; CHD2-Related Neurodevelopmental Disorders. Identifiers: Orphanet 1942, Orphanet 2382, MedGen C3809278, MONDO:0014150, OMIM 615369.

Submissions (4):

Labcorp Genetics (formerly Invitae), Labcorp
Classification: Pathogenic for Developmental and epileptic encephalopathy 94. Last evaluated: 2025-11-27. Review status: criteria provided, single submitter. Criteria: Invitae Variant Classification Sherloc (09022015). Collection method: clinical testing. Allele origin: germline.
Comment: This sequence change creates a premature translational stop signal (p.Val1263Glyfs*4) in the CHD2 gene. It is expected to result in an absent or disrupted protein product. Loss-of-function variants in CHD2 are known to be pathogenic (PMID: 23708187, 24207121). This variant is not present in population databases (gnomAD no frequency). This premature translational stop signal has been observed in individual(s) with clinical features of childhood-onset epileptic encephalopathy (PMID: 28554332, 31273778). ClinVar contains an entry for this variant (Variation ID: 224140). For these reasons, this variant has been classified as Pathogenic.

Blueprint Genetics
Classification: Likely pathogenic for CHD2-related disorders. Last evaluated: 2017-11-27. Review status: criteria provided, single submitter. Criteria: ACMG Guidelines, 2015. Collection method: clinical testing. Allele origin: germline. Affected: yes. Observed: 1 variant allele.

Ambry Genetics
Classification: Pathogenic for Inborn genetic diseases. Last evaluated: 2017-06-29. Review status: criteria provided, single submitter. Criteria: Ambry Variant Classification Scheme 2023. Collection method: clinical testing. Allele origin: germline.
Comment: The c.3787dupG pathogenic mutation, located in coding exon 29 of the CHD2 gene, results from a duplication of G at nucleotide position 3787, causing a translational frameshift with a predicted alternate stop codon (p.V1263Gfs*4). This alteration is expected to result in loss of function by premature protein truncation or nonsense-mediated mRNA decay. As such, this alteration is interpreted as a disease-causing mutation.

HudsonAlpha Institute for Biotechnology
Classification: Pathogenic for Developmental and epileptic encephalopathy 94. Last evaluated: 2015-08-07. Review status: criteria provided, single submitter. Criteria: HA_assertions_20161101. Collection method: research. Allele origin: de novo. Affected: yes. Observed: 1 variant allele. Study: CSER-HudsonAlpha.

Literature cited by the submitters: PubMed 23708187 (cited by Labcorp Genetics (formerly Invitae), Labcorp); PubMed 24207121 (cited by Labcorp Genetics (formerly Invitae), Labcorp); PubMed 28554332 (cited by Labcorp Genetics (formerly Invitae), Labcorp); PubMed 31273778 (cited by Labcorp Genetics (formerly Invitae), Labcorp).